The following is an entry in ClinVar:

ClinVar aggregate classification (germline): Uncertain significance (1 of 4 stars; one submission).

Conditions:
RASopathy. Also called: rasopathies; Noonan spectrum disorder. Identifiers: Orphanet 536391, MedGen C5555857, MONDO:0021060.

gnomAD v4.1: 1 of 1,569,048 alleles (0.000064%); highest among the groups gnomAD compares: Non-Finnish European, 0.000087%; no homozygotes.

Submission:

Labcorp Genetics (formerly Invitae), Labcorp
Classification: Uncertain significance for RASopathy. Last evaluated: 2023-07-25. Review status: criteria provided, single submitter. Criteria: Invitae Variant Classification Sherloc (09022015). Collection method: clinical testing. Allele origin: germline.
Comment: This sequence change replaces leucine, which is neutral and non-polar, with valine, which is neutral and non-polar, at codon 56 of the NRAS protein (p.Leu56Val). This variant is not present in population databases (gnomAD no frequency). This variant has not been reported in the literature in individuals affected with NRAS-related conditions. Advanced modeling of protein sequence and biophysical properties (such as structural, functional, and spatial information, amino acid conservation, physicochemical variation, residue mobility, and thermodynamic stability) performed at Invitae indicates that this missense variant is expected to disrupt NRAS protein function. In summary, the available evidence is currently insufficient to determine the role of this variant in disease. Therefore, it has been classified as a Variant of Uncertain Significance.

NM_002524.5(NRAS):c.166C>G (p.Leu56Val)

Gene: NRAS (NRAS proto-oncogene, GTPase; minus strand). Cytogenetic location: 1p13.2.
Variant type: single nucleotide variant.
Coding change: c.166C>G on transcript NM_002524.5 (MANE Select); coding-DNA position 166, C replaced by G.
Protein change: p.Leu56Val; replaces leucine 56 with valine.
Molecular consequence: missense variant.
Genome position (GRCh38, 1-based): chr1:114,713,924, G>C on the plus strand (C>G on the coding strand, the complement: NRAS is on the minus strand). VCF-style: chr1-114713924-G-C. GRCh37 (hg19) VCF-style: chr1-115256545-G-C.
Other names: short protein forms L56V.
Identifiers: ClinVar variation 2746485 (VCV002746485.3), dbSNP rs758182152, ClinGen allele CA341741660.